The following is an entry in ClinVar:

NM_001848.3(COL6A1):c.1662C>T (p.Asp554=)

Gene: COL6A1 (collagen type VI alpha 1 chain; plus strand). Cytogenetic location: 21q22.3.
Variant type: single nucleotide variant.
Coding change: c.1662C>T on transcript NM_001848.3 (MANE Select); coding-DNA position 1662, C replaced by T.
Protein change: p.Asp554=; no amino-acid change (aspartic acid 554 retained).
Molecular consequence: synonymous variant.
Genome position (GRCh38, 1-based): chr21:45,998,947, C>T. VCF-style: chr21-45998947-C-T. GRCh37 (hg19) VCF-style: chr21-47418861-C-T.
Identifiers: ClinVar variation 2714178 (VCV002714178.6), dbSNP rs1393872151, ClinGen allele CA512717678.

ClinVar aggregate classification (germline): Likely benign. Review status: criteria provided, multiple submitters, no conflicts (2 of 4 stars). 3 submissions from 3 submitters: Likely benign (3). Last evaluated 2026-06-01.

Conditions:
Bethlem myopathy 1A. Also called: Bethlem Muscular Dystrophy; MYOPATHY, BENIGN CONGENITAL, WITH CONTRACTURES; Bethlem myopathy 1. Identifiers: Orphanet 610, MedGen CN029274, MONDO:0024530, OMIM 158810.

Allele frequency attached by ClinVar (database versions not stated): gnomAD exomes 0.00001.
gnomAD v4.1: 9 of 1,554,500 alleles (0.00058%); highest among the groups gnomAD compares: Non-Finnish European, 0.00061%; no homozygotes.

Submissions (3):

CeGaT Center for Human Genetics Tuebingen
Classification: Likely benign. Last evaluated: 2026-06-01. Review status: criteria provided, single submitter. Criteria: CeGaT Center For Human Genetics Tuebingen Variant Classification Criteria Version 2. Collection method: clinical testing. Allele origin: germline. Affected: yes. Observed: 1 variant allele.
Comment: COL6A1: BP4, BP7

Labcorp Genetics (formerly Invitae), Labcorp
Classification: Likely benign for Bethlem myopathy 1A. Last evaluated: 2024-12-23. Review status: criteria provided, single submitter. Criteria: Invitae Variant Classification Sherloc (09022015). Collection method: clinical testing. Allele origin: germline.

Blueprint Genetics
Classification: Likely benign. Last evaluated: 2024-02-12. Review status: criteria provided, single submitter. Criteria: ACMG Guidelines, 2015. Collection method: clinical testing. Allele origin: germline.